The following is an entry in ClinVar:

NM_001267550.2(TTN):c.101757T>G (p.Tyr33919Ter)

Genes: TTN-AS1 (TTN antisense RNA 1; plus strand), TTN (titin; minus strand). Cytogenetic location: 2q31.2.
Variant type: single nucleotide variant.
Coding change: c.101757T>G on transcript NM_001267550.2 (MANE Select); coding-DNA position 101757, T replaced by G.
Protein change: p.Tyr33919Ter; replaces tyrosine 33919 with a stop codon.
Molecular consequence: nonsense.
Genome position (GRCh38, 1-based): chr2:178,534,858, A>C on the plus strand (T>G on the coding strand, the complement: TTN is on the minus strand). VCF-style: chr2-178534858-A-C. GRCh37 (hg19) VCF-style: chr2-179399585-A-C.
Other names: c.96834T>G, p.Tyr32278Ter (NM_001256850.1); c.74562T>G, p.Tyr24854Ter (NM_003319.4); c.94053T>G, p.Tyr31351Ter (NM_133378.4); c.74937T>G, p.Tyr24979Ter (NM_133432.3); c.75138T>G, p.Tyr25046Ter (NM_133437.4); short protein forms Y31351*, Y24854*, Y24979*, Y33919*, Y25046*, Y32278*.
Identifiers: ClinVar variation 2942928 (VCV002942928.3), dbSNP rs1690729997, ClinGen allele CA349419643.

ClinVar aggregate classification (germline): Likely pathogenic (1 of 4 stars; one submission).

Conditions:
Dilated cardiomyopathy 1G (CMD1G). Identifiers: Orphanet 154, MedGen C1858763, MONDO:0011400, OMIM 604145.
Autosomal recessive limb-girdle muscular dystrophy type 2J (LGMDR10). Also called: MUSCULAR DYSTROPHY, LIMB-GIRDLE, AUTOSOMAL RECESSIVE 10; Limb-girdle muscular dystrophy, type 2J. Identifiers: Orphanet 140922, MedGen C1837342, MONDO:0012127, OMIM 608807.

Submission:

Labcorp Genetics (formerly Invitae), Labcorp
Classification: Likely pathogenic for Dilated cardiomyopathy 1G; Autosomal recessive limb-girdle muscular dystrophy type 2J. Last evaluated: 2023-12-06. Review status: criteria provided, single submitter. Criteria: Invitae Variant Classification Sherloc (09022015). Collection method: clinical testing. Allele origin: germline.
Comment: This sequence change creates a premature translational stop signal (p.Tyr33919*) in the TTN gene. While this is not anticipated to result in nonsense mediated decay, it is expected to create a truncated TTN protein. This variant is not present in population databases (gnomAD no frequency). This variant has not been reported in the literature in individuals affected with TTN-related conditions. This variant is located in the M band of TTN (PMID: 25589632). Truncating variants in this region have been previously reported in individuals affected with autosomal recessive myopathy and muscular dystrophy (PMID: 18948003, 23975875, 24395473). Truncating variants in this region have also been identified in individuals affected with autosomal dominant dilated cardiomyopathy and/or cardio-related conditions (PMID: 27869827, 32964742). In summary, the currently available evidence indicates that the variant is pathogenic, but additional data are needed to prove that conclusively. Therefore, this variant has been classified as Likely Pathogenic.

Literature cited by the submitters: PubMed 25589632; PubMed 18948003; PubMed 23975875; PubMed 24395473; PubMed 27869827; PubMed 32964742.